The following is an entry in ClinVar:

ClinVar aggregate classification (germline): Conflicting classifications of pathogenicity. Review status: criteria provided, conflicting classifications (1 of 4 stars). 3 submissions from 3 submitters: Likely pathogenic (2); Uncertain significance (1). Last evaluated 2025-09-14.

Conditions:
Retinitis pigmentosa 37 (RP37). Identifiers: Orphanet 791, MedGen C1970163, MONDO:0012625, OMIM 611131.
NR2E3-related disorder. Also called: NR2E3-related disorders; NR2E3-related condition. Identifiers: MedGen CN239387.

Allele frequency attached by ClinVar (database versions not stated): gnomAD 0.00001; TOPMed 0.00001.
gnomAD v4.1: 4 of 1,550,070 alleles (0.00026%); highest among the groups gnomAD compares: East Asian, 0.0098%; no homozygotes.

Submissions (3):

Labcorp Genetics (formerly Invitae), Labcorp
Classification: Uncertain significance. Last evaluated: 2025-09-14. Review status: criteria provided, single submitter. Criteria: Invitae Variant Classification Sherloc (09022015). Collection method: clinical testing. Allele origin: germline.
Comment: This sequence change replaces valine, which is neutral and non-polar, with leucine, which is neutral and non-polar, at codon 118 of the NR2E3 protein (p.Val118Leu). This variant is present in population databases (rs776270511, gnomAD 0.03%). This missense change has been observed in individual(s) with autosomal recessive NR2E3-related conditions and/or suspected retinitis pigmentosa (PMID: 31054281, 36729443). ClinVar contains an entry for this variant (Variation ID: 1687199). Experimental studies and prediction algorithms are not available or were not evaluated, and the functional significance of this variant is currently unknown. This variant disrupts the p.Val118 amino acid residue in NR2E3. Other variant(s) that disrupt this residue have been determined to be pathogenic (PMID: 19933183, 28981474). This suggests that this residue is clinically significant, and that variants that disrupt this residue are likely to be disease-causing. In summary, the available evidence is currently insufficient to determine the role of this variant in disease. Therefore, it has been classified as a Variant of Uncertain Significance.

3billion
Classification: Likely pathogenic for Retinitis pigmentosa 37. Last evaluated: 2024-06-25. Review status: criteria provided, single submitter. Criteria: ACMG Guidelines, 2015. Collection method: clinical testing. Allele origin: germline. Affected: yes.
Comment: The variant is observed at an extremely low frequency in the gnomAD v4.0.0 dataset (total allele frequency: <0.001%). Predicted Consequence/Location: The majority of the known disease-causing variants of this gene are variants expected to result in premature termination of the protein. In silico tool predictions suggest damaging effect of the variant on gene or gene product [3Cnet: 0.89 (>=0.6, sensitivity 0.72 and precision 0.9)]. A different missense change at the same codon (p.Val118Met) has been reported as pathogenic/likely pathogenic with strong evidence (ClinVar ID: VCV000812353 /PMID: 19933183). Therefore, this variant is classified as Likely pathogenic according to the recommendation of ACMG/AMP guideline.

Blueprint Genetics
Classification: Likely pathogenic for NR2E3-related disorders. Last evaluated: 2022-10-06. Review status: criteria provided, single submitter. Criteria: ACMG Guidelines, 2015. Collection method: clinical testing. Allele origin: germline. Affected: yes. Observed: 5 variant alleles.

Literature cited by the submitters: PubMed 31054281 (cited by Labcorp Genetics (formerly Invitae), Labcorp); PubMed 36729443 (cited by Labcorp Genetics (formerly Invitae), Labcorp); PubMed 19933183 (cited by Labcorp Genetics (formerly Invitae), Labcorp and 3billion); PubMed 28981474 (cited by Labcorp Genetics (formerly Invitae), Labcorp).

NM_014249.4(NR2E3):c.352G>C (p.Val118Leu)

Gene: NR2E3 (nuclear receptor subfamily 2 group E member 3; plus strand). Cytogenetic location: 15q23.
Variant type: single nucleotide variant.
Coding change: c.352G>C on transcript NM_014249.4 (MANE Select); coding-DNA position 352, G replaced by C.
Protein change: p.Val118Leu; replaces valine 118 with leucine.
Molecular consequence: missense variant.
Genome position (GRCh38, 1-based): chr15:71,811,957, G>C. VCF-style: chr15-71811957-G-C. GRCh37 (hg19) VCF-style: chr15-72104297-G-C.
Other names: c.352G>C, p.Val118Leu (NM_016346.4); short protein forms V118L.
Identifiers: ClinVar variation 1687199 (VCV001687199.4), dbSNP rs776270511, ClinGen allele CA7640301.